The following is an entry in ClinVar:

NM_002335.4(LRP5):c.4488+6G>T

Gene: LRP5 (LDL receptor related protein 5; plus strand). Cytogenetic location: 11q13.2.
Variant type: single nucleotide variant.
Coding change: c.4488+6G>T on transcript NM_002335.4 (MANE Select); 6 bases into the intron after coding-DNA position 4488, G replaced by T.
Molecular consequence: intron variant.
Genome position (GRCh38, 1-based): chr11:68,439,922, G>T. VCF-style: chr11-68439922-G-T. GRCh37 (hg19) VCF-style: chr11-68207390-G-T.
Other names: c.2745+6G>T (NM_001291902.2); c.4488+6G>T (NM_002335.3).
Identifiers: ClinVar variation 546681 (VCV000546681.51), dbSNP rs751829465, ClinGen allele CA6150380.

ClinVar aggregate classification (germline): Conflicting classifications of pathogenicity. Review status: criteria provided, conflicting classifications (1 of 4 stars). 5 submissions from 5 submitters: Uncertain significance (3); Likely benign (1). 1 of the submissions does not count toward it. Last evaluated 2025-06-28.

Conditions:
LRP5-related disorder. Also called: LRP5-related condition.
Bone mineral density quantitative trait locus 1 (BMND1). Identifiers: MedGen C1866079, OMIM 601884.
Exudative vitreoretinopathy 4 (EVR4). Identifiers: Orphanet 891, MedGen C1866176, MONDO:0011151, OMIM 601813.
Autosomal dominant osteopetrosis 1 (OPTA1). Also called: OSTEOPETROSIS, AUTOSOMAL DOMINANT, TYPE I. Identifiers: Orphanet 2783, MedGen C1843330, MONDO:0011877, OMIM 607634.
Polycystic liver disease 4 with or without kidney cysts. Identifiers: MedGen C4693479, MONDO:0044327, OMIM 617875.
Worth disease. Also called: ENDOSTEAL HYPEROSTOSIS, AUTOSOMAL DOMINANT; OSTEOSCLEROSIS, AUTOSOMAL DOMINANT; Autosomal dominant osteosclerosis, Worth type. Identifiers: Orphanet 2790, MedGen C0432273, MONDO:0007764, OMIM 144750.
Osteoporosis with pseudoglioma (OPPG). Also called: osteoporosis-pseudoglioma syndrome. Identifiers: Orphanet 2788, MedGen C0432252, MONDO:0009820, OMIM 259770.

Allele frequency attached by ClinVar (database versions not stated): gnomAD 0.00001; gnomAD exomes 0.00001 and 0.00005; TOPMed 0.00001; ExAC 0.00005.
gnomAD v4.1: 67 of 1,539,004 alleles (0.0044%); highest among the groups gnomAD compares: Non-Finnish European, 0.0055%; no homozygotes.

Submissions (5):

Labcorp Genetics (formerly Invitae), Labcorp
Classification: Uncertain significance. Last evaluated: 2025-06-28. Review status: criteria provided, single submitter. Criteria: Invitae Variant Classification Sherloc (09022015). Collection method: clinical testing. Allele origin: germline.
Comment: This sequence change falls in intron 21 of the LRP5 gene. It does not directly change the encoded amino acid sequence of the LRP5 protein. It affects a nucleotide within the consensus splice site. This variant is present in population databases (rs751829465, gnomAD 0.002%). This variant has not been reported in the literature in individuals affected with LRP5-related conditions. ClinVar contains an entry for this variant (Variation ID: 546681). Variants that disrupt the consensus splice site are a relatively common cause of aberrant splicing (PMID: 17576681, 9536098). Algorithms developed to predict the effect of sequence changes on RNA splicing suggest that this variant is not likely to affect RNA splicing. In summary, the available evidence is currently insufficient to determine the role of this variant in disease. Therefore, it has been classified as a Variant of Uncertain Significance.

Blueprint Genetics
Classification: Likely benign. Last evaluated: 2024-08-09. Review status: criteria provided, single submitter. Criteria: ACMG Guidelines, 2015. Collection method: clinical testing. Allele origin: germline.

Fulgent Genetics
Classification: Uncertain significance for Worth disease; Osteoporosis with pseudoglioma; Exudative vitreoretinopathy 4; Bone mineral density quantitative trait locus 1; Autosomal dominant osteopetrosis 1; Polycystic liver disease 4 with or without kidney cysts. Last evaluated: 2024-01-02. Review status: criteria provided, single submitter. Criteria: ACMG Guidelines, 2015. Collection method: clinical testing. Allele origin: germline.

CeGaT Center for Human Genetics Tuebingen
Classification: Uncertain significance. Last evaluated: 2018-03-01. Review status: criteria provided, single submitter. Criteria: CeGaT Center For Human Genetics Tuebingen Variant Classification Criteria Version 2. Collection method: clinical testing. Allele origin: germline. Affected: yes. Observed: 1 variant allele.

PreventionGenetics, part of Exact Sciences
Classification: Likely benign for LRP5-related condition. Last evaluated: 2021-03-11. Review status: no assertion criteria provided. Collection method: clinical testing. Allele origin: germline. Not counted in ClinVar's aggregate classification.
Comment: This variant is classified as likely benign based on ACMG/AMP sequence variant interpretation guidelines (Richards et al. 2015 PMID: 25741868, with internal and published modifications).

Literature cited by the submitters: PubMed 17576681 (cited by Labcorp Genetics (formerly Invitae), Labcorp); PubMed 9536098 (cited by Labcorp Genetics (formerly Invitae), Labcorp).